The following is an entry in ClinVar:

ClinVar aggregate classification (germline): Uncertain significance (1 of 4 stars; one submission).

Conditions:
Cardiovascular phenotype. Identifiers: MedGen CN230736.

Submission:

Ambry Genetics
Classification: Uncertain significance for Cardiovascular phenotype. Last evaluated: 2025-09-17. Review status: criteria provided, single submitter. Criteria: Ambry Variant Classification Scheme 2023. Collection method: clinical testing. Allele origin: germline.
Comment: The p.P280L variant (also known as c.839C>T), located in coding exon 3 of the BAG3 gene, results from a C to T substitution at nucleotide position 839. The proline at codon 280 is replaced by leucine, an amino acid with similar properties. This amino acid position is conserved. In addition, this alteration is predicted to be deleterious by in silico analysis. Based on the available evidence, the clinical significance of this variant remains unclear.

NM_004281.4(BAG3):c.839C>T (p.Pro280Leu)

Gene: BAG3 (BAG cochaperone 3; plus strand). Cytogenetic location: 10q26.11.
Variant type: single nucleotide variant.
Coding change: c.839C>T on transcript NM_004281.4 (MANE Select); coding-DNA position 839, C replaced by T.
Protein change: p.Pro280Leu; replaces proline 280 with leucine.
Molecular consequence: missense variant.
Genome position (GRCh38, 1-based): chr10:119,672,586, C>T. VCF-style: chr10-119672586-C-T. GRCh37 (hg19) VCF-style: chr10-121432098-C-T.
Other names: short protein forms P280L.
Identifiers: ClinVar variation 4613738 (VCV004613738.1).